The following is an entry in ClinVar:

ClinVar aggregate classification (germline): Uncertain significance. Review status: criteria provided, multiple submitters, no conflicts (2 of 4 stars). 2 submissions from 2 submitters: Uncertain significance (2). Last evaluated 2023-04-06.

Allele frequency attached by ClinVar (database versions not stated): gnomAD exomes 0.00001 and below 0.00001; TOPMed 0.00001; gnomAD 0.00001.

Submissions (2):

Labcorp Genetics (formerly Invitae), Labcorp
Classification: Uncertain significance. Last evaluated: 2023-04-06. Review status: criteria provided, single submitter. Criteria: Invitae Variant Classification Sherloc (09022015). Collection method: clinical testing. Allele origin: germline.
Comment: This sequence change replaces glutamine, which is neutral and polar, with arginine, which is basic and polar, at codon 37 of the MMP13 protein (p.Gln37Arg). This variant is present in population databases (rs794726905, gnomAD 0.002%). This variant has not been reported in the literature in individuals affected with MMP13-related conditions. ClinVar contains an entry for this variant (Variation ID: 193234). An algorithm developed to predict the effect of missense changes on protein structure and function (PolyPhen-2) suggests that this variant is likely to be tolerated. In summary, the available evidence is currently insufficient to determine the role of this variant in disease. Therefore, it has been classified as a Variant of Uncertain Significance.

Eurofins Ntd Llc (ga)
Classification: Uncertain significance. Last evaluated: 2014-12-01. Review status: criteria provided, single submitter. Criteria: EGL Classification Definitions 2015. Collection method: clinical testing. Allele origin: germline. Observed: 1 variant allele, 1 heterozygote.

NM_002427.4(MMP13):c.110A>G (p.Gln37Arg)

Genes: MMP13 (matrix metallopeptidase 13; minus strand), LOC126861318 (BRD4-independent group 4 enhancer GRCh37_chr11:102825894-102827093; plus strand). Cytogenetic location: 11q22.2.
Variant type: single nucleotide variant.
Coding change: c.110A>G on transcript NM_002427.4 (MANE Select); coding-DNA position 110, A replaced by G.
Protein change: p.Gln37Arg; replaces glutamine 37 with arginine.
Molecular consequence: missense variant.
Genome position (GRCh38, 1-based): chr11:102,955,596, T>C on the plus strand (A>G on the coding strand, the complement: MMP13 is on the minus strand). VCF-style: chr11-102955596-T-C. GRCh37 (hg19) VCF-style: chr11-102826325-T-C.
Other names: short protein forms Q37R.
Identifiers: ClinVar variation 193234 (VCV000193234.8), dbSNP rs794726905, ClinGen allele CA238750.